The following is an entry in ClinVar:

ClinVar aggregate classification (germline): Uncertain significance (1 of 4 stars; one submission).

Allele frequency attached by ClinVar (database versions not stated): TOPMed 0.00001; gnomAD exomes 0.00002; ExAC 0.00001; gnomAD 0.00001.
gnomAD v4.1: 29 of 1,613,748 alleles (0.0018%); highest among the groups gnomAD compares: South Asian, 0.0066%; no homozygotes.

Submission:

Labcorp Genetics (formerly Invitae), Labcorp
Classification: Uncertain significance. Last evaluated: 2025-07-27. Review status: criteria provided, single submitter. Criteria: Invitae Variant Classification Sherloc (09022015). Collection method: clinical testing. Allele origin: germline.
Comment: This sequence change replaces arginine, which is basic and polar, with cysteine, which is neutral and slightly polar, at codon 79 of the POLD2 protein (p.Arg79Cys). This variant is present in population databases (rs758415306, gnomAD 0.006%). This variant has not been reported in the literature in individuals affected with POLD2-related conditions. ClinVar contains an entry for this variant (Variation ID: 1978135). Experimental studies and prediction algorithms are not available or were not evaluated, and the functional significance of this variant is currently unknown. In summary, the available evidence is currently insufficient to determine the role of this variant in disease. Therefore, it has been classified as a Variant of Uncertain Significance.

NM_006230.4(POLD2):c.130C>T (p.Arg44Cys)

Gene: POLD2 (DNA polymerase delta 2, accessory subunit; minus strand). Cytogenetic location: 7p13.
Variant type: single nucleotide variant.
Coding change: c.130C>T on transcript NM_006230.4 (MANE Select); coding-DNA position 130, C replaced by T.
Protein change: p.Arg44Cys; replaces arginine 44 with cysteine.
Molecular consequence: missense variant.
Genome position (GRCh38, 1-based): chr7:44,121,924, G>A on the plus strand (C>T on the coding strand, the complement: POLD2 is on the minus strand). VCF-style: chr7-44121924-G-A. GRCh37 (hg19) VCF-style: chr7-44161523-G-A.
Other names: c.130C>T, p.Arg44Cys (NM_001127218.3, NM_001256879.2); short protein forms R44C.
Identifiers: ClinVar variation 1978135 (VCV001978135.5), dbSNP rs758415306, ClinGen allele CA4238980.